The following is an entry in ClinVar:

ClinVar aggregate classification (germline): Uncertain significance (1 of 4 stars; one submission).

Conditions:
Marfan syndrome (MFS). Also called: MARFAN SYNDROME, TYPE I; Marfan syndrome type 1; Marfan's syndrome; Marfan syndrome, classic; FBN1-Related Marfan Syndrome. Identifiers: Orphanet 284963, Orphanet 558, MedGen C0024796, MONDO:0007947, OMIM 154700.

Submission:

All of Us Research Program, National Institutes of Health
Classification: Uncertain significance for Marfan syndrome. Last evaluated: 2024-01-11. Review status: criteria provided, single submitter. Criteria: ACMG Guidelines, 2015. Collection method: clinical testing. Allele origin: germline. Inheritance: Autosomal dominant inheritance. Observed: 1 variant allele, 1 heterozygote.
Comment: This study involves interpretation of variants in research participants for the purpose of population health screening. Participant phenotype was not available at the time of variant classification. Additional details can be found in publication PMID: 35346344, PMCID: PMC8962531

NM_000138.5(FBN1):c.1486A>G (p.Lys496Glu)

Gene: FBN1 (fibrillin 1; minus strand). Cytogenetic location: 15q21.1.
Variant type: single nucleotide variant.
Coding change: c.1486A>G on transcript NM_000138.5 (MANE Select); coding-DNA position 1486, A replaced by G.
Protein change: p.Lys496Glu; replaces lysine 496 with glutamic acid.
Molecular consequence: missense variant.
Genome position (GRCh38, 1-based): chr15:48,513,651, T>C on the plus strand (A>G on the coding strand, the complement: FBN1 is on the minus strand). VCF-style: chr15-48513651-T-C. GRCh37 (hg19) VCF-style: chr15-48805848-T-C.
Other names: c.1486A>G, p.Lys496Glu (NM_001406716.1); short protein forms K496E.
Identifiers: ClinVar variation 3075377 (VCV003075377.1), dbSNP rs2505614081, ClinGen allele CA392342777.